The following is an entry in ClinVar:

ClinVar aggregate classification (germline): Uncertain significance. Review status: criteria provided, single submitter (1 of 4 stars). 2 submissions from 2 submitters: Uncertain significance (1). 1 of the submissions does not count toward it. Last evaluated 2024-01-09.

Conditions:
TREH-related disorder. Also called: TREH-related condition.

Allele frequency attached by ClinVar (database versions not stated): gnomAD exomes 0.00010; 1000 Genomes Project 30x 0.00016; 1000 Genomes Project 0.00020; ExAC 0.00024; ESP Exome Variant Server 0.00040; gnomAD 0.00078; TOPMed 0.00081.
gnomAD v4.1: 267 of 1,578,404 alleles (0.017%); highest among the groups gnomAD compares: African/African-American, 0.22%; 1 homozygote.

Submissions (2):

Ambry Genetics
Classification: Uncertain significance. Last evaluated: 2024-01-09. Review status: criteria provided, single submitter. Criteria: Ambry Variant Classification Scheme 2023. Collection method: clinical testing. Allele origin: germline.

PreventionGenetics, part of Exact Sciences
Classification: Likely benign for TREH-related condition. Last evaluated: 2022-05-27. Review status: no assertion criteria provided. Collection method: clinical testing. Allele origin: germline. Not counted in ClinVar's aggregate classification.
Comment: This variant is classified as likely benign based on ACMG/AMP sequence variant interpretation guidelines (Richards et al. 2015 PMID: 25741868, with internal and published modifications).

NM_007180.3(TREH):c.913C>T (p.Arg305Trp)

Gene: TREH (trehalase; minus strand). Cytogenetic location: 11q23.3.
Variant type: single nucleotide variant.
Coding change: c.913C>T on transcript NM_007180.3 (MANE Select); coding-DNA position 913, C replaced by T.
Protein change: p.Arg305Trp; replaces arginine 305 with tryptophan.
Molecular consequence: missense variant.
Genome position (GRCh38, 1-based): chr11:118,660,728, G>A on the plus strand (C>T on the coding strand, the complement: TREH is on the minus strand). VCF-style: chr11-118660728-G-A. GRCh37 (hg19) VCF-style: chr11-118531437-G-A.
Other names: c.820C>T, p.Arg274Trp (NM_001301065.2); short protein forms R274W, R305W.
Identifiers: ClinVar variation 2239863 (VCV002239863.4), dbSNP rs201279957, ClinGen allele CA6307948.